The following is an entry in ClinVar:

NM_001136035.4(TRMT1):c.999C>T (p.Ala333=)

Gene: TRMT1 (tRNA methyltransferase 1; minus strand). Cytogenetic location: 19p13.13.
Variant type: single nucleotide variant.
Coding change: c.999C>T on transcript NM_001136035.4 (MANE Select); coding-DNA position 999, C replaced by T.
Protein change: p.Ala333=; no amino-acid change (alanine 333 retained).
Molecular consequence: synonymous variant.
Genome position (GRCh38, 1-based): chr19:13,110,178, G>A on the plus strand (C>T on the coding strand, the complement: TRMT1 is on the minus strand). VCF-style: chr19-13110178-G-A. GRCh37 (hg19) VCF-style: chr19-13220992-G-A.
Other names: c.999C>T, p.Ala333= (NM_001142554.3, NM_001351760.2, NM_017722.5); c.891C>T, p.Ala297= (NM_001351761.2); c.216C>T, p.Ala72= (NM_001351762.2).
Identifiers: ClinVar variation 3388105 (VCV003388105.14).

ClinVar aggregate classification (germline): Likely benign (1 of 4 stars; one submission).

gnomAD v4.1: 2,386 of 1,612,338 alleles (0.15%); highest among the groups gnomAD compares: Non-Finnish European, 0.19%; no homozygotes.

Submission:

CeGaT Center for Human Genetics Tuebingen
Classification: Likely benign. Last evaluated: 2024-10-01. Review status: criteria provided, single submitter. Criteria: CeGaT Center For Human Genetics Tuebingen Variant Classification Criteria Version 2. Collection method: clinical testing. Allele origin: germline. Affected: yes. Observed: 1 variant allele.
Comment: TRMT1: BP7